The following is an entry in ClinVar:

ClinVar aggregate classification (germline): Uncertain significance. Review status: criteria provided, multiple submitters, no conflicts (2 of 4 stars). 2 submissions from 2 submitters: Uncertain significance (2). Last evaluated 2022-05-30.

Conditions:
Neuroblastoma, susceptibility to, 3. Also called: ALK-Related Neuroblastic Tumor Susceptibility. Identifiers: Orphanet 635, MedGen C2751681, MONDO:0013083, OMIM 613014.
Hereditary cancer-predisposing syndrome. Also called: Hereditary neoplastic syndrome; Neoplastic Syndromes, Hereditary; Tumor predisposition; Hereditary Cancer Syndrome. Identifiers: Orphanet 140162, MedGen C0027672, MeSH D009386, MONDO:0015356.

gnomAD v4.1: 1 of 1,614,072 alleles (0.000062%); highest among the groups gnomAD compares: Non-Finnish European, 0.000085%; no homozygotes.

Submissions (2):

Ambry Genetics
Classification: Uncertain significance for Hereditary cancer-predisposing syndrome. Last evaluated: 2022-05-30. Review status: criteria provided, single submitter. Criteria: Ambry Variant Classification Scheme 2023. Collection method: clinical testing. Allele origin: germline.
Comment: The p.H258Y variant (also known as c.772C>T), located in coding exon 2 of the ALK gene, results from a C to T substitution at nucleotide position 772. The histidine at codon 258 is replaced by tyrosine, an amino acid with similar properties. This amino acid position is conserved. In addition, this alteration is predicted to be tolerated by in silico analysis. Since supporting evidence is limited at this time, the clinical significance of this alteration remains unclear.

Labcorp Genetics (formerly Invitae), Labcorp
Classification: Uncertain significance for Neuroblastoma, susceptibility to, 3. Last evaluated: 2021-01-29. Review status: criteria provided, single submitter. Criteria: Invitae Variant Classification Sherloc (09022015). Collection method: clinical testing. Allele origin: germline.
Comment: In summary, the available evidence is currently insufficient to determine the role of this variant in disease. Therefore, it has been classified as a Variant of Uncertain Significance. This sequence change replaces histidine with tyrosine at codon 258 of the ALK protein (p.His258Tyr). The histidine residue is moderately conserved and there is a moderate physicochemical difference between histidine and tyrosine. This variant is not present in population databases (ExAC no frequency). This variant has not been reported in the literature in individuals with ALK-related conditions. Algorithms developed to predict the effect of missense changes on protein structure and function are either unavailable or do not agree on the potential impact of this missense change (SIFT: "Deleterious"; PolyPhen-2: "Possibly Damaging"; Align-GVGD: "Class C0").

NM_004304.5(ALK):c.772C>T (p.His258Tyr)

Gene: ALK (ALK receptor tyrosine kinase; minus strand). Cytogenetic location: 2p23.2.
Variant type: single nucleotide variant.
Coding change: c.772C>T on transcript NM_004304.5 (MANE Select); coding-DNA position 772, C replaced by T.
Protein change: p.His258Tyr; replaces histidine 258 with tyrosine.
Molecular consequence: missense variant.
Genome position (GRCh38, 1-based): chr2:29,717,593, G>A on the plus strand (C>T on the coding strand, the complement: ALK is on the minus strand). VCF-style: chr2-29717593-G-A. GRCh37 (hg19) VCF-style: chr2-29940459-G-A.
Other names: short protein forms H258Y.
Identifiers: ClinVar variation 1003730 (VCV001003730.11), dbSNP rs1679299436, ClinGen allele CA346587633.